The following is an entry in ClinVar:

NM_003640.5(ELP1):c.2281A>G (p.Lys761Glu)

Gene: ELP1 (elongator acetyltransferase complex subunit 1; minus strand). Cytogenetic location: 9q31.3.
Variant type: single nucleotide variant.
Coding change: c.2281A>G on transcript NM_003640.5 (MANE Select); coding-DNA position 2281, A replaced by G.
Protein change: p.Lys761Glu; replaces lysine 761 with glutamic acid.
Molecular consequence: missense variant.
Genome position (GRCh38, 1-based): chr9:108,898,673, T>C on the plus strand (A>G on the coding strand, the complement: ELP1 is on the minus strand). VCF-style: chr9-108898673-T-C. GRCh37 (hg19) VCF-style: chr9-111660953-T-C.
Other names: c.1939A>G, p.Lys647Glu (NM_001318360.2); c.1234A>G, p.Lys412Glu (NM_001330749.2); short protein forms K412E, K647E, K761E.
Identifiers: ClinVar variation 1007167 (VCV001007167.8), dbSNP rs1003255472, ClinGen allele CA197534018.
Genomic context (GRCh38, chr9:108,898,673, plus strand): 5'-AGATCATATTAGTTTAAGTACAAAGTAAGCTAGAGTAAATGACAGCTTAGAAAGTTACCT[T>C]AGGGTTATGATCATAAATCAGATTGAGATTGATTCTCAGCTTTCTCATGCATTCAAATGC-3'
Protein context (NP_003631.2, residues 751-771): NLNLIYDHNP[Lys761Glu]VFLGNVETFI

ClinVar aggregate classification (germline): Uncertain significance (1 of 4 stars; one submission).

Allele frequency attached by ClinVar (database versions not stated): gnomAD exomes below 0.00001.
gnomAD v4.1: 1 of 1,611,634 alleles (0.000062%); highest among the groups gnomAD compares: Non-Finnish European, 0.000085%; no homozygotes.

Submission:

Labcorp Genetics (formerly Invitae), Labcorp
Classification: Uncertain significance. Last evaluated: 2020-01-16. Review status: criteria provided, single submitter. Criteria: Invitae Variant Classification Sherloc (09022015). Collection method: clinical testing. Allele origin: germline.
Comment: In summary, the available evidence is currently insufficient to determine the role of this variant in disease. Therefore, it has been classified as a Variant of Uncertain Significance. This sequence change replaces lysine with glutamic acid at codon 761 of the ELP1 protein (p.Lys761Glu). The lysine residue is moderately conserved and there is a small physicochemical difference between lysine and glutamic acid. This variant is not present in population databases (ExAC no frequency). This variant has not been reported in the literature in individuals with ELP1-related conditions. Algorithms developed to predict the effect of missense changes on protein structure and function output the following: SIFT: "Tolerated"; PolyPhen-2: "Benign"; Align-GVGD: "Class C0". The glutamic acid amino acid residue is found in multiple mammalian species, suggesting that this missense change does not adversely affect protein function. These predictions have not been confirmed by published functional studies and their clinical significance is uncertain.